The following is an entry in ClinVar:

NM_001166114.2(PNPLA6):c.2542del (p.Ala848fs)

Gene: PNPLA6 (patatin like domain 6, lysophospholipase; plus strand). Cytogenetic location: 19p13.2.
Variant type: Deletion.
Coding change: c.2542del on transcript NM_001166114.2 (MANE Select); coding-DNA position 2542, one base deleted (G; older notation c.2542delG).
Protein change: p.Ala848fs; shifts the reading frame from alanine 848.
Molecular consequence: frameshift variant.
Genome position (GRCh38, 1-based): chr19:7,554,631, G deleted. VCF-style (leftmost placement, unchanged base first): chr19-7554630-CG-C. GRCh37 (hg19) VCF-style: chr19-7619516-CG-C.
Other names: c.2572del, p.Ala858fs (NM_001166111.2); c.2347del, p.Ala783fs (NM_001166112.2); c.2428del, p.Ala810fs (NM_001166113.1, NM_006702.5); short protein forms A810fs, A783fs, A858fs, A848fs.
Identifiers: ClinVar variation 2737458 (VCV002737458.3), dbSNP rs2512550226, ClinGen allele CA2697556179.

ClinVar aggregate classification (germline): Pathogenic (1 of 4 stars; one submission).

Conditions:
Hereditary spastic paraplegia 39 (SPG39). Also called: Spastic Paraplegia Type 39 (SPG39); SPASTIC PARAPLEGIA 39, AUTOSOMAL RECESSIVE. Identifiers: Orphanet 139480, MedGen C2677586, MONDO:0012787, OMIM 612020.

Submission:

Labcorp Genetics (formerly Invitae), Labcorp
Classification: Pathogenic for Hereditary spastic paraplegia 39. Last evaluated: 2023-07-25. Review status: criteria provided, single submitter. Criteria: Invitae Variant Classification Sherloc (09022015). Collection method: clinical testing. Allele origin: germline.
Comment: This sequence change creates a premature translational stop signal (p.Ala810Profs*3) in the PNPLA6 gene. It is expected to result in an absent or disrupted protein product. Loss-of-function variants in PNPLA6 are known to be pathogenic (PMID: 24355708). This variant is not present in population databases (gnomAD no frequency). This variant has not been reported in the literature in individuals affected with PNPLA6-related conditions. For these reasons, this variant has been classified as Pathogenic.

Literature cited by the submitters: PubMed 24355708.